The following is an entry in ClinVar:

ClinVar aggregate classification (germline): Uncertain significance (1 of 4 stars; one submission).

Conditions:
Hoyeraal-Hreidarsson syndrome (HHS). Also called: CEREBELLAR HYPOPLASIA WITH PANCYTOPENIA. Identifiers: Orphanet 3322, MedGen C1846142, MONDO:0018045.
Autosomal recessive dyskeratosis congenita. Identifiers: MedGen C3502105.

Allele frequency attached by ClinVar (database versions not stated): gnomAD exomes below 0.00001; TOPMed 0.00001.
gnomAD v4.1: 6 of 1,614,162 alleles (0.00037%); highest among the groups gnomAD compares: Non-Finnish European, 0.00051%; no homozygotes.

Submission:

Labcorp Genetics (formerly Invitae), Labcorp
Classification: Uncertain significance for Hoyeraal-Hreidarsson syndrome; Autosomal recessive dyskeratosis congenita. Last evaluated: 2019-11-12. Review status: criteria provided, single submitter. Criteria: Invitae Variant Classification Sherloc (09022015). Collection method: clinical testing. Allele origin: germline.
Comment: This sequence change replaces threonine with serine at codon 447 of the DCLRE1B protein (p.Thr447Ser). The threonine residue is weakly conserved and there is a small physicochemical difference between threonine and serine. In summary, the available evidence is currently insufficient to determine the role of this variant in disease. Therefore, it has been classified as a Variant of Uncertain Significance. Algorithms developed to predict the effect of missense changes on protein structure and function are either unavailable or do not agree on the potential impact of this missense change (SIFT: "Deleterious"; PolyPhen-2: "Benign"; Align-GVGD: "Class C0"). This variant has not been reported in the literature in individuals with DCLRE1B-related conditions. This variant is not present in population databases (ExAC no frequency).

NM_022836.4(DCLRE1B):c.1339A>T (p.Thr447Ser)

Gene: DCLRE1B (DNA cross-link repair 1B; plus strand). Cytogenetic location: 1p13.2.
Variant type: single nucleotide variant.
Coding change: c.1339A>T on transcript NM_022836.4 (MANE Select); coding-DNA position 1339, A replaced by T.
Protein change: p.Thr447Ser; replaces threonine 447 with serine.
Molecular consequence: missense variant. On other transcripts: intron variant (2).
Genome position (GRCh38, 1-based): chr1:113,911,931, A>T. VCF-style: chr1-113911931-A-T. GRCh37 (hg19) VCF-style: chr1-114454553-A-T.
Other names: c.961A>T, p.Thr321Ser (NM_001319946.2, NM_001319947.2); c.1246+93A>T (NM_001363690.2); c.868+93A>T (NM_001363691.2); short protein forms T321S, T447S.
Identifiers: ClinVar variation 962569 (VCV000962569.9), dbSNP rs1038661281, ClinGen allele CA28981087.